The following is an entry in ClinVar:

NM_006421.5(ARFGEF1):c.4614-10T>G

Gene: ARFGEF1 (ARF guanine nucleotide exchange factor 1; minus strand). Cytogenetic location: 8q13.2.
Variant type: single nucleotide variant.
Coding change: c.4614-10T>G on transcript NM_006421.5 (MANE Select); 10 bases into the intron before coding-DNA position 4614, T replaced by G.
Molecular consequence: intron variant.
Genome position (GRCh38, 1-based): chr8:67,216,672, A>C on the plus strand (T>G on the coding strand, the complement: ARFGEF1 is on the minus strand). VCF-style: chr8-67216672-A-C. GRCh37 (hg19) VCF-style: chr8-68128907-A-C.
Other names: c.4614-10T>G (NM_001413186.1, NM_001413187.1, NM_001413185.1 and 5 more transcripts); c.4014-10T>G (NM_001413188.1, NM_001413197.1, NM_001413193.1); c.3189-10T>G (NM_001413196.1); c.4608-10T>G (NM_001413190.1).
Identifiers: ClinVar variation 3900451 (VCV003900451.1).

ClinVar aggregate classification (germline): Uncertain significance (1 of 4 stars; one submission).

Submission:

GeneDx
Classification: Uncertain significance. Last evaluated: 2024-11-22. Review status: criteria provided, single submitter. Criteria: GeneDx Variant Classification Process June 2021. Collection method: clinical testing. Allele origin: germline. Affected: yes.
Comment: Not observed at significant frequency in large population cohorts (gnomAD); Has not been previously published as pathogenic or benign to our knowledge; In silico analysis is inconclusive as to whether the variant alters gene splicing. In the absence of RNA/functional studies, the actual effect of this sequence change is unknown.